The following is an entry in ClinVar:

ClinVar aggregate classification (germline): Uncertain significance (1 of 4 stars; one submission).

Conditions:
THOC2-related disorder. Also called: THOC2-related condition.

Submission:

PreventionGenetics, part of Exact Sciences
Classification: Uncertain significance for THOC2-related condition. Last evaluated: 2023-09-06. Review status: criteria provided, single submitter. Criteria: ACMG Guidelines, 2015. Collection method: clinical testing. Allele origin: germline.
Comment: The THOC2 c.1512G>A variant is predicted to result in the amino acid substitution p.Met504Ile. To our knowledge, this variant has not been reported in the literature or in a large population database, indicating this variant is rare. At this time, the clinical significance of this variant is uncertain due to the absence of conclusive functional and genetic evidence.

NM_001081550.2(THOC2):c.1512G>A (p.Met504Ile)

Gene: THOC2 (THO complex subunit 2; minus strand). Cytogenetic location: Xq25.
Variant type: single nucleotide variant.
Coding change: c.1512G>A on transcript NM_001081550.2 (MANE Select); coding-DNA position 1512, G replaced by A.
Protein change: p.Met504Ile; replaces methionine 504 with isoleucine.
Molecular consequence: missense variant.
Genome position (GRCh38, 1-based): chrX:123,644,826, C>T on the plus strand (G>A on the coding strand, the complement: THOC2 is on the minus strand). VCF-style: chrX-123644826-C-T. GRCh37 (hg19) VCF-style: chrX-122778677-C-T.
Other names: short protein forms M504I.
Identifiers: ClinVar variation 2631032 (VCV002631032.1), dbSNP rs2521399039, ClinGen allele CA414269662.